The following is an entry in ClinVar:

NM_005450.6(NOG):c.109C>T (p.Pro37Ser)

Gene: NOG (noggin; plus strand). Cytogenetic location: 17q22.
Variant type: single nucleotide variant.
Coding change: c.109C>T on transcript NM_005450.6 (MANE Select); coding-DNA position 109, C replaced by T.
Protein change: p.Pro37Ser; replaces proline 37 with serine.
Molecular consequence: missense variant.
Genome position (GRCh38, 1-based): chr17:56,594,332, C>T. VCF-style: chr17-56594332-C-T. GRCh37 (hg19) VCF-style: chr17-54671693-C-T.
Other names: c.109C>T (NM_005450.4); short protein forms P37S.
Identifiers: ClinVar variation 1437308 (VCV001437308.7), dbSNP rs1231478089, ClinGen allele CA399964246.

ClinVar aggregate classification (germline): Uncertain significance. Review status: criteria provided, multiple submitters, no conflicts (2 of 4 stars). 2 submissions from 2 submitters: Uncertain significance (2). Last evaluated 2026-01-06.

Conditions:
Inborn genetic diseases. Identifiers: MedGen C0950123, MeSH D030342.

Allele frequency attached by ClinVar (database versions not stated): gnomAD 0.00001; gnomAD exomes 0.00001; TOPMed 0.00001.

Submissions (2):

Labcorp Genetics (formerly Invitae), Labcorp
Classification: Uncertain significance. Last evaluated: 2026-01-06. Review status: criteria provided, single submitter. Criteria: Invitae Variant Classification Sherloc (09022015). Collection method: clinical testing. Allele origin: germline.
Comment: This sequence change replaces proline, which is neutral and non-polar, with serine, which is neutral and polar, at codon 37 of the NOG protein (p.Pro37Ser). This variant is not present in population databases (gnomAD no frequency). This variant has not been reported in the literature in individuals affected with NOG-related conditions. ClinVar contains an entry for this variant (Variation ID: 1437308). An algorithm developed to predict the effect of missense changes on protein structure and function (PolyPhen-2) suggests that this variant is likely to be disruptive. In summary, the available evidence is currently insufficient to determine the role of this variant in disease. Therefore, it has been classified as a Variant of Uncertain Significance.

Ambry Genetics
Classification: Uncertain significance for Inborn genetic diseases. Last evaluated: 2025-08-27. Review status: criteria provided, single submitter. Criteria: Ambry Variant Classification Scheme 2023. Collection method: clinical testing. Allele origin: germline.